The following is an entry in ClinVar:

NM_012281.3(KCND2):c.1096G>T (p.Val366Phe)

Gene: KCND2 (potassium voltage-gated channel subfamily D member 2; plus strand). Cytogenetic location: 7q31.31.
Variant type: single nucleotide variant.
Coding change: c.1096G>T on transcript NM_012281.3 (MANE Select); coding-DNA position 1096, G replaced by T.
Protein change: p.Val366Phe; replaces valine 366 with phenylalanine.
Molecular consequence: missense variant.
Genome position (GRCh38, 1-based): chr7:120,275,728, G>T. VCF-style: chr7-120275728-G-T. GRCh37 (hg19) VCF-style: chr7-119915782-G-T.
Other names: short protein forms V366F.
Identifiers: ClinVar variation 2007789 (VCV002007789.4), dbSNP rs1472234526, ClinGen allele CA369133078.
Genomic context (GRCh38, chr7:120,275,728, plus strand): 5'-GAGAAGGGGTCTTCGGCTAGCAAGTTCACCAGCATCCCTGCAGCCTTCTGGTATACCATC[G>T]TCACCATGACAACACTAGGGTAGGTGCCATAATGGGAAATGGGATGGAGGTTGGGTATGG-3'
Protein context (NP_036413.1, residues 356-376): SIPAAFWYTI[Val366Phe]TMTTLGYGDM

ClinVar aggregate classification (germline): Pathogenic (1 of 4 stars; one submission).

Conditions:
Early Myoclonic Encephalopathy. Identifiers: MedGen C0270855.

Submission:

Labcorp Genetics (formerly Invitae), Labcorp
Classification: Pathogenic for Early Myoclonic Encephalopathy. Last evaluated: 2022-08-13. Review status: criteria provided, single submitter. Criteria: Invitae Variant Classification Sherloc (09022015). Collection method: clinical testing. Allele origin: germline.
Comment: For these reasons, this variant has been classified as Pathogenic. Advanced modeling of protein sequence and biophysical properties (such as structural, functional, and spatial information, amino acid conservation, physicochemical variation, residue mobility, and thermodynamic stability) performed at Invitae indicates that this missense variant is expected to disrupt KCND2 protein function. This missense change has been observed in individual(s) with clinical features of KCND2-related conditions (Invitae). In at least one individual the variant was observed to be de novo. This variant is not present in population databases (gnomAD no frequency). This sequence change replaces valine, which is neutral and non-polar, with phenylalanine, which is neutral and non-polar, at codon 366 of the KCND2 protein (p.Val366Phe).